The following is an entry in ClinVar:

NM_000232.5(SGCB):c.567dup (p.His190fs)

Gene: SGCB (sarcoglycan beta; minus strand). Cytogenetic location: 4q12.
Variant type: Duplication.
Coding change: c.567dup on transcript NM_000232.5 (MANE Select); coding-DNA position 567, one base duplicated (T; older notation c.567dupT).
Protein change: p.His190fs; shifts the reading frame from histidine 190.
Molecular consequence: frameshift variant.
Genome position (GRCh38, 1-based): chr4:52,028,784, A duplicated on the plus strand (T on the coding strand, the reverse complement: SGCB is on the minus strand); the first of 3 consecutive A bases (chr4:52,028,784-52,028,786); duplicating any one gives the same sequence. VCF-style (leftmost placement, unchanged base first): chr4-52028783-G-GA. GRCh37 (hg19) VCF-style: chr4-52894949-G-GA.
Other names: short protein forms H190fs.
Identifiers: ClinVar variation 1074829 (VCV001074829.9), dbSNP rs1263020044, ClinGen allele CA551651139.
Genomic context (GRCh38, chr4:52,028,783, plus strand): 5'-ATCATACCCTTTCAGTAGATGCCTTTTGAACATTCAAACTTTTCACTCCACTTGGCAAAT[G>GA]AAACTCATGAGTTTCATAGTCTGTGCTGAATAAGATATTTTGAGTCCTCGGGTCAAAAAA-3'

ClinVar aggregate classification (germline): Pathogenic/Likely pathogenic. Review status: criteria provided, multiple submitters, no conflicts (2 of 4 stars). 3 submissions from 3 submitters: Pathogenic (2); Likely pathogenic (1). Last evaluated 2025-09-13.

Conditions:
Autosomal recessive limb-girdle muscular dystrophy type 2E (LGMDR4). Also called: MUSCULAR DYSTROPHY, LIMB-GIRDLE, AUTOSOMAL RECESSIVE 4. Identifiers: Orphanet 119, MedGen C1858593, MONDO:0011423, OMIM 604286. Disease mechanism: Affects gamma-sarcoglycan and also disrupts the integrity of the entire sarcoglycan complex..

Submissions (3):

Natera, Inc.
Classification: Likely pathogenic for Limb-girdle muscular dystrophy type 2E. Last evaluated: 2025-09-13. Review status: criteria provided, single submitter. Criteria: Natera Variant Classification Schema (03/2026). Collection method: clinical testing. Allele origin: germline.
Comment: The c.567dup variant in SGCB is a frameshift variant predicted to shift the reading frame beginning at codon 190 and leads to a stop codon 17 codons downstream. This variant is expected to result in nonsense mediated decay, truncation, or a dysfunctional protein product. This variant is rare in the general population with a frequency below the threshold expected for the associated phenotype(s). Given the available evidence, this variant is classified as Likely Pathogenic.

Labcorp Genetics (formerly Invitae), Labcorp
Classification: Pathogenic for Autosomal recessive limb-girdle muscular dystrophy type 2E. Last evaluated: 2022-04-17. Review status: criteria provided, single submitter. Criteria: Invitae Variant Classification Sherloc (09022015). Collection method: clinical testing. Allele origin: germline.
Comment: For these reasons, this variant has been classified as Pathogenic. ClinVar contains an entry for this variant (Variation ID: 1074829). This variant has not been reported in the literature in individuals affected with SGCB-related conditions. This variant is present in population databases (no rsID available, gnomAD 0.003%). This sequence change creates a premature translational stop signal (p.His190Serfs*17) in the SGCB gene. It is expected to result in an absent or disrupted protein product. Loss-of-function variants in SGCB are known to be pathogenic (PMID: 15938573, 18285821).

Fulgent Genetics
Classification: Pathogenic for Autosomal recessive limb-girdle muscular dystrophy type 2E. Last evaluated: 2021-07-23. Review status: criteria provided, single submitter. Criteria: ACMG Guidelines, 2015. Collection method: clinical testing. Allele origin: unknown.

Literature cited by the submitters: PubMed 15938573 (cited by Labcorp Genetics (formerly Invitae), Labcorp); PubMed 18285821 (cited by Labcorp Genetics (formerly Invitae), Labcorp).